The following is an entry in ClinVar:

ClinVar aggregate classification (germline): Uncertain significance (1 of 4 stars; one submission).

Conditions:
Gorlin syndrome. Also called: Nevoid Basal Cell Carcinoma Syndrome; Basal cell nevus syndrome. Identifiers: Orphanet 377, MedGen C0004779, MONDO:0007187.

Submission:

Labcorp Genetics (formerly Invitae), Labcorp
Classification: Uncertain significance for Gorlin syndrome. Last evaluated: 2021-11-14. Review status: criteria provided, single submitter. Criteria: Invitae Variant Classification Sherloc (09022015). Collection method: clinical testing. Allele origin: germline.
Comment: This sequence change falls in intron 1 of the PTCH1 gene. It does not directly change the encoded amino acid sequence of the PTCH1 protein. It affects a nucleotide within the consensus splice site. In summary, the available evidence is currently insufficient to determine the role of this variant in disease. Therefore, it has been classified as a Variant of Uncertain Significance. Variants that disrupt the consensus splice site are a relatively common cause of aberrant splicing (PMID: 17576681, 9536098). Algorithms developed to predict the effect of sequence changes on RNA splicing suggest that this variant may create or strengthen a splice site. This variant has not been reported in the literature in individuals affected with PTCH1-related conditions. This variant is not present in population databases (gnomAD no frequency).

Literature cited by the submitters: PubMed 17576681; PubMed 9536098.

NM_000264.5(PTCH1):c.201+2_201+3dup

Gene: PTCH1 (patched 1; minus strand). Cytogenetic location: 9q22.32.
Variant type: Duplication.
Coding change: c.201+2_201+3dup on transcript NM_000264.5 (MANE Select); the canonical splice donor site of the intron after coding-DNA position 201 through 3 bases into the intron after coding-DNA position 201, 2 bases duplicated (TG; older notation c.201+2_201+3dupTG).
Molecular consequence: splice donor variant. On other transcripts: intron variant (3).
Genome position (GRCh38, 1-based): chr9:95,508,158-95,508,159, CA duplicated on the plus strand (TG on the coding strand, the reverse complement: PTCH1 is on the minus strand); duplicating any 2 consecutive bases within chr9:95,508,158-95,508,160 gives the same sequence; the c. name uses the placement nearest the transcript's 3' end. VCF-style (leftmost placement, unchanged base first): chr9-95508157-G-GCA. GRCh37 (hg19) VCF-style: chr9-98270439-G-GCA.
Other names: c.199-1560_199-1559dup (NM_001083603.3); c.4-1560_4-1559dup (NM_001083602.3, NM_001354919.2); c.201+2_201+3dup (NM_001354918.2).
Identifiers: ClinVar variation 1421520 (VCV001421520.6), dbSNP rs2118906154, ClinGen allele CA2573144889.
Genomic context (GRCh38, chr9:95,508,157, plus strand): 5'-CGGGGGCGATCCCAAAGAGTTAGAGGAGGGAAGAGAAAGTGGGAGGAGAGAGTCTGAAAT[G>GCA]CACCTTGGAAATCTGCTCCAGAGCGAAGGCGGCGTCGCAGTAGCTGGGCCGGTGCAGATA-3'